The following is an entry in ClinVar:

ClinVar aggregate classification (germline): Uncertain significance (1 of 4 stars; one submission).

Conditions:
BAP1-related tumor predisposition syndrome (TPDS1). Also called: BAP1 tumor predisposition syndrome; Tumor susceptibility linked to germline BAP1 mutations; COMMON Syndrome; TUMOR PREDISPOSITION SYNDROME 1. Identifiers: Orphanet 289539, MedGen C3280492, MONDO:0013692, OMIM 614327.

Submission:

Labcorp Genetics (formerly Invitae), Labcorp
Classification: Uncertain significance for BAP1-related tumor predisposition syndrome. Last evaluated: 2025-01-29. Review status: criteria provided, single submitter. Criteria: Invitae Variant Classification Sherloc (09022015). Collection method: clinical testing. Allele origin: germline.
Comment: This sequence change replaces glycine, which is neutral and non-polar, with tryptophan, which is neutral and slightly polar, at codon 594 of the BAP1 protein (p.Gly594Trp). This variant is not present in population databases (gnomAD no frequency). This variant has not been reported in the literature in individuals affected with BAP1-related conditions. Invitae Evidence Modeling of protein sequence and biophysical properties (such as structural, functional, and spatial information, amino acid conservation, physicochemical variation, residue mobility, and thermodynamic stability) indicates that this missense variant is not expected to disrupt BAP1 protein function with a negative predictive value of 80%. In summary, the available evidence is currently insufficient to determine the role of this variant in disease. Therefore, it has been classified as a Variant of Uncertain Significance.

NM_004656.4(BAP1):c.1780G>T (p.Gly594Trp)

Gene: BAP1 (BRCA1 associated deubiquitinase 1; minus strand). Cytogenetic location: 3p21.1.
Variant type: single nucleotide variant.
Coding change: c.1780G>T on transcript NM_004656.4 (MANE Select); coding-DNA position 1780, G replaced by T.
Protein change: p.Gly594Trp; replaces glycine 594 with tryptophan.
Molecular consequence: missense variant.
Genome position (GRCh38, 1-based): chr3:52,403,248, C>A on the plus strand (G>T on the coding strand, the complement: BAP1 is on the minus strand). VCF-style: chr3-52403248-C-A. GRCh37 (hg19) VCF-style: chr3-52437264-C-A.
Other names: c.1726G>T, p.Gly576Trp (NM_001410772.1); short protein forms G594W, G576W.
Identifiers: ClinVar variation 3667253 (VCV003667253.2).